The following is an entry in ClinVar:

NM_000089.4(COL1A2):c.1107A>C (p.Gln369His)

Gene: COL1A2 (collagen type I alpha 2 chain; plus strand). Cytogenetic location: 7q21.3.
Variant type: single nucleotide variant.
Coding change: c.1107A>C on transcript NM_000089.4 (MANE Select); coding-DNA position 1107, A replaced by C.
Protein change: p.Gln369His; replaces glutamine 369 with histidine.
Molecular consequence: missense variant.
Genome position (GRCh38, 1-based): chr7:94,410,437, A>C. VCF-style: chr7-94410437-A-C. GRCh37 (hg19) VCF-style: chr7-94039749-A-C.
Other names: short protein forms Q369H.
Identifiers: ClinVar variation 1793866 (VCV001793866.2), dbSNP rs776853005, ClinGen allele CA368221171.

ClinVar aggregate classification (germline): Uncertain significance (1 of 4 stars; one submission).

Conditions:
Cardiovascular phenotype. Identifiers: MedGen CN230736.

Allele frequency attached by ClinVar (database versions not stated): TOPMed below 0.00001; gnomAD 0.00001.
gnomAD v4.1: 2 of 1,551,490 alleles (0.00013%); highest among the groups gnomAD compares: Non-Finnish European, 0.00017%; no homozygotes.

Submission:

Ambry Genetics
Classification: Uncertain significance for Cardiovascular phenotype. Last evaluated: 2019-08-12. Review status: criteria provided, single submitter. Criteria: Ambry Variant Classification Scheme 2023. Collection method: clinical testing. Allele origin: germline.
Comment: The p.Q369H variant (also known as c.1107A>C), located in coding exon 21 of the COL1A2 gene, results from an A to C substitution at nucleotide position 1107. The glutamine at codon 369 is replaced by histidine, an amino acid with highly similar properties. This amino acid position is not well conserved in available vertebrate species. In addition, this alteration is predicted to be tolerated by in silico analysis. Since supporting evidence is limited at this time, the clinical significance of this alteration remains unclear.